The following is an entry in ClinVar:

ClinVar aggregate classification (germline): Uncertain significance (1 of 4 stars; one submission).

Conditions:
Inborn genetic diseases. Identifiers: MedGen C0950123, MeSH D030342.

Allele frequency attached by ClinVar (database versions not stated): TOPMed 0.00001.

Submission:

Ambry Genetics
Classification: Uncertain significance for Inborn genetic diseases. Last evaluated: 2022-12-05. Review status: criteria provided, single submitter. Criteria: Ambry Variant Classification Scheme 2023. Collection method: clinical testing. Allele origin: germline.
Comment: The p.A298T variant (also known as c.892G>A), located in coding exon 10 of the ERCC2 gene, results from a G to A substitution at nucleotide position 892. The alanine at codon 298 is replaced by threonine, an amino acid with similar properties. This amino acid position is conserved. In addition, the in silico prediction for this alteration is inconclusive. Since supporting evidence is limited at this time, the clinical significance of this alteration remains unclear.

NM_000400.4(ERCC2):c.892G>A (p.Ala298Thr)

Gene: ERCC2 (ERCC excision repair 2, TFIIH core complex helicase subunit; minus strand). Cytogenetic location: 19q13.32.
Variant type: single nucleotide variant.
Coding change: c.892G>A on transcript NM_000400.4 (MANE Select); coding-DNA position 892, G replaced by A.
Protein change: p.Ala298Thr; replaces alanine 298 with threonine.
Molecular consequence: missense variant.
Genome position (GRCh38, 1-based): chr19:45,364,043, C>T on the plus strand (G>A on the coding strand, the complement: ERCC2 is on the minus strand). VCF-style: chr19-45364043-C-T. GRCh37 (hg19) VCF-style: chr19-45867301-C-T.
Other names: c.820G>A, p.Ala274Thr (NM_001130867.2); short protein forms A298T, A274T.
Identifiers: ClinVar variation 2452347 (VCV002452347.2), dbSNP rs1269826858, ClinGen allele CA406373522.